The following is an entry in ClinVar:

ClinVar aggregate classification (germline): Uncertain significance (1 of 4 stars; one submission).

Conditions:
Spastic paraplegia. Identifiers: MedGen C0037772, HP:0001258.

Submission:

Labcorp Genetics (formerly Invitae), Labcorp
Classification: Uncertain significance for Spastic paraplegia. Last evaluated: 2025-01-06. Review status: criteria provided, single submitter. Criteria: Invitae Variant Classification Sherloc (09022015). Collection method: clinical testing. Allele origin: germline.
Comment: This sequence change replaces leucine, which is neutral and non-polar, with phenylalanine, which is neutral and non-polar, at codon 84 of the AP4E1 protein (p.Leu84Phe). This variant is not present in population databases (gnomAD no frequency). This variant has not been reported in the literature in individuals affected with AP4E1-related conditions. ClinVar contains an entry for this variant (Variation ID: 2090105). An algorithm developed to predict the effect of missense changes on protein structure and function (PolyPhen-2) suggests that this variant is likely to be tolerated. In summary, the available evidence is currently insufficient to determine the role of this variant in disease. Therefore, it has been classified as a Variant of Uncertain Significance.

NM_007347.5(AP4E1):c.250C>T (p.Leu84Phe)

Gene: AP4E1 (adaptor related protein complex 4 subunit epsilon 1; plus strand). Cytogenetic location: 15q21.2.
Variant type: single nucleotide variant.
Coding change: c.250C>T on transcript NM_007347.5 (MANE Select); coding-DNA position 250, C replaced by T.
Protein change: p.Leu84Phe; replaces leucine 84 with phenylalanine.
Molecular consequence: missense variant.
Genome position (GRCh38, 1-based): chr15:50,915,475, C>T. VCF-style: chr15-50915475-C-T. GRCh37 (hg19) VCF-style: chr15-51207672-C-T.
Other names: c.25C>T, p.Leu9Phe (NM_001252127.2); short protein forms L84F, L9F.
Identifiers: ClinVar variation 2090105 (VCV002090105.4), dbSNP rs748732933, ClinGen allele CA392412398.